The following is an entry in ClinVar:

ClinVar aggregate classification (germline): Pathogenic (1 of 4 stars; one submission).

Conditions:
Familial cancer of breast. Also called: hereditary breast carcinoma; BREAST CANCER, FAMILIAL; Hereditary breast cancer. Identifiers: Orphanet 227535, MedGen C0346153, MONDO:0016419, OMIM 114480. Disease mechanism: loss of function.

Submission:

Labcorp Genetics (formerly Invitae), Labcorp
Classification: Pathogenic for Familial cancer of breast. Last evaluated: 2025-12-08. Review status: criteria provided, single submitter. Criteria: Invitae Variant Classification Sherloc (09022015). Collection method: clinical testing. Allele origin: germline.
Comment: This sequence change creates a premature translational stop signal (p.Glu87Glyfs*23) in the CHEK2 gene. It is expected to result in an absent or disrupted protein product. Loss-of-function variants in CHEK2 are known to be pathogenic (PMID: 21876083, 24713400). This variant is not present in population databases (gnomAD no frequency). This variant has not been reported in the literature in individuals affected with CHEK2-related conditions. ClinVar contains an entry for this variant (Variation ID: 3651284). For these reasons, this variant has been classified as Pathogenic.

Literature cited by the submitters: PubMed 21876083; PubMed 24713400.

NM_007194.4(CHEK2):c.260del (p.Glu87fs)

Gene: CHEK2 (checkpoint kinase 2; minus strand). Cytogenetic location: 22q12.1.
Variant type: Deletion.
Coding change: c.260del on transcript NM_007194.4 (MANE Select); coding-DNA position 260, one base deleted (A; older notation c.260delA).
Protein change: p.Glu87fs; shifts the reading frame from glutamic acid 87.
Molecular consequence: frameshift variant.
Genome position (GRCh38, 1-based): chr22:28,734,462, T deleted on the plus strand (A on the coding strand, the reverse complement: CHEK2 is on the minus strand). VCF-style (leftmost placement, unchanged base first): chr22-28734461-CT-C. GRCh37 (hg19) VCF-style: chr22-29130449-CT-C.
Other names: c.260delA, p.Glu87Glyfs (NM_001005735.3, NM_001349956.3, NM_145862.3); c.-518delA (NM_001257387.3); short protein forms E87fs.
Identifiers: ClinVar variation 3651284 (VCV003651284.2).